The following is an entry in ClinVar:

NM_018062.4(FANCL):c.814C>G (p.His272Asp)

Gene: FANCL (FA complementation group L; minus strand). Cytogenetic location: 2p16.1.
Variant type: single nucleotide variant.
Coding change: c.814C>G on transcript NM_018062.4 (MANE Select); coding-DNA position 814, C replaced by G.
Protein change: p.His272Asp; replaces histidine 272 with aspartic acid.
Molecular consequence: missense variant.
Genome position (GRCh38, 1-based): chr2:58,163,036, G>C on the plus strand (C>G on the coding strand, the complement: FANCL is on the minus strand). VCF-style: chr2-58163036-G-C. GRCh37 (hg19) VCF-style: chr2-58390171-G-C.
Other names: c.829C>G, p.His277Asp (NM_001114636.2); c.859C>G, p.His287Asp (NM_001374615.1); c.874C>G, p.His292Asp (NM_001410792.1); short protein forms H272D, H287D, H277D, H292D.
Identifiers: ClinVar variation 1481675 (VCV001481675.8), dbSNP rs1047208127, ClinGen allele CA346935624.

ClinVar aggregate classification (germline): Uncertain significance (1 of 4 stars; one submission).

Conditions:
Fanconi anemia (FA). Also called: Fanconi's anemia. Identifiers: Orphanet 84, MedGen C0015625, MeSH D005199, MONDO:0019391.

gnomAD v4.1: 1 of 1,612,492 alleles (0.000062%); highest among the groups gnomAD compares: Non-Finnish European, 0.000085%; no homozygotes.

Submission:

Labcorp Genetics (formerly Invitae), Labcorp
Classification: Uncertain significance for Fanconi anemia. Last evaluated: 2025-06-16. Review status: criteria provided, single submitter. Criteria: Invitae Variant Classification Sherloc (09022015). Collection method: clinical testing. Allele origin: germline.
Comment: This sequence change replaces histidine, which is basic and polar, with aspartic acid, which is acidic and polar, at codon 272 of the FANCL protein (p.His272Asp). This variant is not present in population databases (gnomAD no frequency). This variant has not been reported in the literature in individuals affected with FANCL-related conditions. ClinVar contains an entry for this variant (Variation ID: 1481675). Invitae Evidence Modeling of protein sequence and biophysical properties (such as structural, functional, and spatial information, amino acid conservation, physicochemical variation, residue mobility, and thermodynamic stability) indicates that this missense variant is not expected to disrupt FANCL protein function with a negative predictive value of 80%. In summary, the available evidence is currently insufficient to determine the role of this variant in disease. Therefore, it has been classified as a Variant of Uncertain Significance.